The following is an entry in ClinVar:

NM_001385012.1(NBEA):c.7176+1G>A

Gene: NBEA (neurobeachin; plus strand). Cytogenetic location: 13q13.3.
Variant type: single nucleotide variant.
Coding change: c.7176+1G>A on transcript NM_001385012.1 (MANE Select); the canonical splice donor site of the intron after coding-DNA position 7176, G replaced by A.
Molecular consequence: splice donor variant.
Genome position (GRCh38, 1-based): chr13:35,584,039, G>A. VCF-style: chr13-35584039-G-A. GRCh37 (hg19) VCF-style: chr13-36158176-G-A.
Other names: c.7176+1G>A (NM_015678.5); c.7167+1G>A (NM_001379245.1); c.555+1G>A (NM_001204197.3).
Identifiers: ClinVar variation 4854406 (VCV004854406.1).

ClinVar aggregate classification (germline): Likely pathogenic (1 of 4 stars; one submission).

Conditions:
Neurodevelopmental disorder with or without early-onset generalized epilepsy. Identifiers: MedGen C5436914, MONDO:0030930, OMIM 619157.

Submission:

3billion
Classification: Likely pathogenic for Neurodevelopmental disorder with or without early-onset generalized epilepsy. Last evaluated: 2025-12-22. Review status: criteria provided, single submitter. Criteria: ACMG Guidelines, 2015. Collection method: clinical testing. Allele origin: germline. Affected: yes.
Comment: The variant is not observed in the gnomAD v4.1.0 dataset. Predicted Consequence/Location: Canonical splice site: predicted to alter splicing and result in a loss or disruption of normal protein function. Multiple pathogenic loss-of-function variants are reported downstream of the variant. In silico tools predict the variant to alter splicing and produce an abnormal transcript [SpliceAI: 0.93 (spliceogenicity >=0.2, non-spliceogenicity <0.1)]. Therefore, this variant is classified as Likely pathogenic according to the recommendation of ACMG/AMP guideline.